The following is an entry in ClinVar:

ClinVar aggregate classification (germline): Uncertain significance (1 of 4 stars; one submission).

Submission:

Labcorp Genetics (formerly Invitae), Labcorp
Classification: Uncertain significance. Last evaluated: 2024-09-30. Review status: criteria provided, single submitter. Criteria: Invitae Variant Classification Sherloc (09022015). Collection method: clinical testing. Allele origin: germline.
Comment: This sequence change replaces glutamic acid, which is acidic and polar, with lysine, which is basic and polar, at codon 3477 of the PCLO protein (p.Glu3477Lys). This variant is not present in population databases (gnomAD no frequency). This variant has not been reported in the literature in individuals affected with PCLO-related conditions. Experimental studies and prediction algorithms are not available or were not evaluated, and the functional significance of this variant is currently unknown. In summary, the available evidence is currently insufficient to determine the role of this variant in disease. Therefore, it has been classified as a Variant of Uncertain Significance.

NM_033026.6(PCLO):c.10429G>A (p.Glu3477Lys)

Gene: PCLO (piccolo presynaptic cytomatrix protein; minus strand). Cytogenetic location: 7q21.11.
Variant type: single nucleotide variant.
Coding change: c.10429G>A on transcript NM_033026.6 (MANE Select); coding-DNA position 10429, G replaced by A.
Protein change: p.Glu3477Lys; replaces glutamic acid 3477 with lysine.
Molecular consequence: missense variant.
Genome position (GRCh38, 1-based): chr7:82,950,159, C>T on the plus strand (G>A on the coding strand, the complement: PCLO is on the minus strand). VCF-style: chr7-82950159-C-T. GRCh37 (hg19) VCF-style: chr7-82579475-C-T.
Other names: c.10429G>A, p.Glu3477Lys (NM_014510.3); short protein forms E3477K.
Identifiers: ClinVar variation 3721889 (VCV003721889.2).